The following is an entry in ClinVar:

NM_001083601.3(NAA60):c.567G>A (p.Thr189=)

Gene: NAA60 (N-alpha-acetyltransferase 60, NatF catalytic subunit; plus strand). Cytogenetic location: 16p13.3.
Variant type: single nucleotide variant.
Coding change: c.567G>A on transcript NM_001083601.3 (MANE Select); coding-DNA position 567, G replaced by A.
Protein change: p.Thr189=; no amino-acid change (threonine 189 retained).
Molecular consequence: synonymous variant. On other transcripts: intron variant (4).
Genome position (GRCh38, 1-based): chr16:3,483,592, G>A. VCF-style: chr16-3483592-G-A. GRCh37 (hg19) VCF-style: chr16-3533592-G-A.
Other names: c.567G>A, p.Thr189= (NM_001083600.3, NM_024845.4); c.588G>A, p.Thr196= (NM_001317093.1); c.372G>A, p.Thr124= (NM_001317095.2); c.337+994G>A (NM_001317096.2, NM_001317097.2, NM_001317098.2); c.241-1099G>A (NM_001317094.2).
Identifiers: ClinVar variation 807967 (VCV000807967.42), dbSNP rs369184668, ClinGen allele CA7863211.

ClinVar aggregate classification (germline): Likely benign (1 of 4 stars; one submission).

Allele frequency attached by ClinVar (database versions not stated): gnomAD 0.00002; gnomAD exomes 0.00002; TOPMed 0.00003; ExAC 0.00004; ESP Exome Variant Server 0.00016.
gnomAD v4.1: 20 of 1,608,256 alleles (0.0012%); highest among the groups gnomAD compares: Non-Finnish European, 0.0016%; no homozygotes.

Submission:

CeGaT Center for Human Genetics Tuebingen
Classification: Likely benign. Last evaluated: 2025-03-01. Review status: criteria provided, single submitter. Criteria: CeGaT Center For Human Genetics Tuebingen Variant Classification Criteria Version 2. Collection method: clinical testing. Allele origin: germline. Affected: yes. Observed: 1 variant allele.
Comment: NAA60: BP4, BP7